The following is an entry in ClinVar:

NM_000276.4(OCRL):c.1007T>C (p.Ile336Thr)

Gene: OCRL (OCRL inositol polyphosphate-5-phosphatase; plus strand). Cytogenetic location: Xq26.1.
Variant type: single nucleotide variant.
Coding change: c.1007T>C on transcript NM_000276.4 (MANE Select); coding-DNA position 1007, T replaced by C.
Protein change: p.Ile336Thr; replaces isoleucine 336 with threonine.
Molecular consequence: missense variant.
Genome position (GRCh38, 1-based): chrX:129,562,451, T>C. VCF-style: chrX-129562451-T-C. GRCh37 (hg19) VCF-style: chrX-128696428-T-C.
Other names: c.1010T>C, p.Ile337Thr (NM_001318784.2); c.1007T>C, p.Ile336Thr (NM_001587.4); short protein forms I336T, I337T.
Identifiers: ClinVar variation 2576678 (VCV002576678.1), dbSNP rs2521889186, ClinGen allele CA414552598.

ClinVar aggregate classification (germline): Uncertain significance (1 of 4 stars; one submission).

Submission:

GeneDx
Classification: Uncertain significance. Last evaluated: 2023-02-15. Review status: criteria provided, single submitter. Criteria: GeneDx Variant Classification Process June 2021. Collection method: clinical testing. Allele origin: germline. Affected: yes.
Comment: Not observed at significant frequency in large population cohorts (gnomAD); In silico analysis supports that this missense variant has a deleterious effect on protein structure/function; Has not been previously published as pathogenic or benign to our knowledge